The following is an entry in ClinVar:

ClinVar aggregate classification (germline): Uncertain significance (1 of 4 stars; one submission).

Conditions:
Autosomal dominant nocturnal frontal lobe epilepsy 5. Also called: Epilepsy, nocturnal frontal lobe, 5; CILIARY DYSKINESIA, PRIMARY, 28, WITHOUT SITUS INVERSUS; CILIARY DYSKINESIA, PRIMARY, 28, WITH SITUS INVERSUS; KCNT1-Related Epilepsy. Identifiers: Orphanet 98784, MedGen C3554306, MONDO:0014002, OMIM 615005.
Developmental and epileptic encephalopathy, 14 (DEE14). Also called: Early infantile epileptic encephalopathy 14. Identifiers: Orphanet 293181, MedGen C3554195, MONDO:0013989, OMIM 614959.

Submission:

Labcorp Genetics (formerly Invitae), Labcorp
Classification: Uncertain significance for Autosomal dominant nocturnal frontal lobe epilepsy 5; Developmental and epileptic encephalopathy, 14. Last evaluated: 2023-01-29. Review status: criteria provided, single submitter. Criteria: Invitae Variant Classification Sherloc (09022015). Collection method: clinical testing. Allele origin: germline.
Comment: This sequence change replaces asparagine, which is neutral and polar, with histidine, which is basic and polar, at codon 24 of the KCNT1 protein (p.Asn24His). This variant is not present in population databases (gnomAD no frequency). This variant has not been reported in the literature in individuals affected with KCNT1-related conditions. Advanced modeling of protein sequence and biophysical properties (such as structural, functional, and spatial information, amino acid conservation, physicochemical variation, residue mobility, and thermodynamic stability) performed at Invitae indicates that this missense variant is not expected to disrupt KCNT1 protein function. In summary, the available evidence is currently insufficient to determine the role of this variant in disease. Therefore, it has been classified as a Variant of Uncertain Significance.

NM_020822.3(KCNT1):c.70A>C (p.Asn24His)

Gene: KCNT1 (potassium sodium-activated channel subfamily T member 1; plus strand). Cytogenetic location: 9q34.3.
Variant type: single nucleotide variant.
Coding change: c.70A>C on transcript NM_020822.3 (MANE Select); coding-DNA position 70, A replaced by C.
Protein change: p.Asn24His; replaces asparagine 24 with histidine.
Molecular consequence: missense variant.
Genome position (GRCh38, 1-based): chr9:135,702,328, A>C. VCF-style: chr9-135702328-A-C. GRCh37 (hg19) VCF-style: chr9-138594174-A-C.
Other names: c.70A>C, p.Asn24His (NM_001272003.2); short protein forms N24H.
Identifiers: ClinVar variation 2941756 (VCV002941756.3), dbSNP rs2490551093, ClinGen allele CA375492603.